The following is an entry in ClinVar:

ClinVar aggregate classification (germline): Uncertain significance. Review status: criteria provided, single submitter (1 of 4 stars). 2 submissions from 1 submitter: Uncertain significance (1). 1 of the submissions does not count toward it. Last evaluated 2022-08-22.

Conditions:
Autosomal recessive nonsyndromic hearing loss 1B. Also called: DEAFNESS, AUTOSOMAL RECESSIVE 1B. Identifiers: Orphanet 90636, MedGen C2675235, MONDO:0012977, OMIM 612645.
Autosomal recessive nonsyndromic hearing loss 1A (DFNB1A). Also called: Connexin 26 deafness; Deafness nonsyndromic, Connexin 26 linked; GJB6-Related DFNB 1 Nonsyndromic Hearing Loss and Deafness; Deafness, autosomal recessive 1A; Nonsyndromic Hearing Loss and Deafness, DFNB1; GJB2-Related Autosomal Recessive Nonsyndromic Hearing Loss. Identifiers: Orphanet 90636, MedGen C2673759, MONDO:0009076, OMIM 220290.
Autosomal dominant nonsyndromic hearing loss 3B. Identifiers: Orphanet 90635, MedGen C2675237, MONDO:0012975, OMIM 612643.
Hidrotic ectodermal dysplasia syndrome (GJB6). Also called: CLOUSTON HIDROTIC ECTODERMAL DYSPLASIA; Ectodermal dysplasia 2, hidrotic; Autosomal dominant hidrotic ectodermal dysplasia; Clouston syndrome; Clouston's hidrotic ectodermal dysplasia; ECTODERMAL DYSPLASIA 2, CLOUSTON TYPE. Identifiers: Orphanet 189, MedGen C0162361, MONDO:0007510, OMIM 129500.

Submissions (2):

Labcorp Genetics (formerly Invitae), Labcorp
Classification: Uncertain significance for Autosomal dominant nonsyndromic hearing loss 3B; Hidrotic ectodermal dysplasia syndrome; Autosomal recessive nonsyndromic hearing loss 1B; Autosomal recessive nonsyndromic hearing loss 1A. Last evaluated: 2022-08-22. Review status: criteria provided, single submitter. Criteria: Invitae Variant Classification Sherloc (09022015). Collection method: clinical testing. Allele origin: germline.
Comment: A copy number gain of the genomic region encompassing the full coding sequence of the GJB6 gene has been identified. The boundaries of this event are unknown as they extend beyond the assayed region for this gene and therefore may encompass additional genes. As the precise location of this event is unknown, it may be in tandem or it may be located elsewhere in the genome. This variant has not been reported in the literature in individuals affected with GJB6-related conditions. In summary, the available evidence is currently insufficient to determine the role of this variant in disease. Therefore, it has been classified as a Variant of Uncertain Significance.

Labcorp Genetics (formerly Invitae), Labcorp
Classification: Uncertain significance. Last evaluated: 2022-08-22. Review status: flagged submission. Criteria: Invitae Variant Classification Sherloc (09022015). Collection method: clinical testing. Allele origin: germline. Not counted in ClinVar's aggregate classification.
Comment: A copy number gain of the genomic region encompassing the full coding sequence of the GJB2 gene has been identified. The boundaries of this event are unknown as they extend beyond the assayed region for this gene and therefore may encompass additional genes. As the precise location of this event is unknown, it may be in tandem or it may be located elsewhere in the genome. This variant has not been reported in the literature in individuals affected with GJB2-related conditions. In summary, the available evidence is currently insufficient to determine the role of this variant in disease. Therefore, it has been classified as a Variant of Uncertain Significance.
ClinVar note: Reason: This record appears to be redundant with a more recent record from the same submitter.
ClinVar note: Notes: SCV003792561 appears to be redundant with SCV003791552.

NC_000013.10:g.(?_20763040)_(20797619_?)dup

Genes: GJB2 (gap junction protein beta 2; minus strand), GJB6 (gap junction protein beta 6; minus strand). Cytogenetic location: 13q12.11.
Variant type: Duplication.
Identifiers: ClinVar variation 2424812 (VCV002424812.5).